The following is an entry in ClinVar:

ClinVar aggregate classification (germline): Pathogenic/Likely pathogenic. Review status: criteria provided, multiple submitters, no conflicts (2 of 4 stars). 9 submissions from 9 submitters: Pathogenic (2); Likely pathogenic (7). Last evaluated 2026-03-05.

Conditions:
Hereditary cancer-predisposing syndrome. Also called: Neoplastic Syndromes, Hereditary; Hereditary Cancer Syndrome; Hereditary neoplastic syndrome; Tumor predisposition. Identifiers: Orphanet 140162, MedGen C0027672, MeSH D009386, MONDO:0015356.
Pheochromocytoma/paraganglioma syndrome 3. Also called: GLOMUS TUMORS, FAMILIAL, 3; SDHC-Related Hereditary Paraganglioma-Pheochromocytoma Syndrome (Paragangliomas 3); Paragangliomas 3; SDHC-Related Hereditary Paraganglioma-Pheochromocytoma Syndrome. Identifiers: Orphanet 29072, MedGen C1854336, MONDO:0011544, OMIM 605373.
Gastrointestinal stromal tumor. Also called: Gastrointestinal stromal tumor, somatic; Gastrointestinal stroma tumor. Identifiers: Orphanet 44890, MedGen C0238198, MeSH D046152, MONDO:0011719, OMIM 606764, HP:0100723.
Hereditary pheochromocytoma and paraganglioma. Also called: Hereditary Paraganglioma-Pheochromocytoma Syndromes; Hereditary pheochromocytoma-paraganglioma; Hereditary paragangliomas and pheochromocytomas. Identifiers: Orphanet 29072, MedGen C4274332, MONDO:0017366.

Allele frequency attached by ClinVar (database versions not stated): ExAC 0.00001; gnomAD exomes 0.00001.
gnomAD v4.1: 3 of 1,613,790 alleles (0.00019%); highest among the groups gnomAD compares: East Asian, 0.0022%; no homozygotes.

Submissions (9):

Myriad Genetics, Inc.
Classification: Likely pathogenic for Hereditary pheochromocytoma and paraganglioma. Last evaluated: 2026-03-05. Review status: criteria provided, single submitter. Criteria: Myriad Autosomal Dominant, Autosomal Recessive and X-Linked Classification Criteria (2023). Collection method: clinical testing. Allele origin: unknown.
Comment: This variant is considered likely pathogenic. This variant has been reported in multiple individuals with clinical features of gene-specific disease [PMID: 27262318, 19454582, 33676450, 34558728].

GeneDx
Classification: Likely pathogenic. Last evaluated: 2025-10-23. Review status: criteria provided, single submitter. Criteria: GeneDx Variant Classification Process June 2021. Collection method: clinical testing. Allele origin: germline. Affected: yes.
Comment: Not observed at significant frequency in large population cohorts (gnomAD); In silico analysis supports that this missense variant has a deleterious effect on protein structure/function; This variant is associated with the following publications: (PMID: 22517557, 19454582, 27262318, 28196207, 33676450, 26273102, 19332149, 15989954, 25950479, 34558728)

Color Diagnostics, LLC DBA Color Health
Classification: Likely pathogenic for Hereditary pheochromocytoma and paraganglioma. Last evaluated: 2025-06-10. Review status: criteria provided, single submitter. Criteria: ACMG Guidelines, 2015. Collection method: clinical testing. Allele origin: germline.
Comment: This missense variant replaces arginine with histidine at codon 72 of the SDHC protein. Computational prediction suggests that this variant may have deleterious impact on protein structure and function. To our knowledge, functional studies have not been reported for this variant, however another variant at this residue (p.Arg72Cys) has been shown to have reduced electron transfer to ubiquinone and decreased succinate dehydrogenase activity (PMID: 25950479). This variant has been reported in multiple individuals affected with hereditary paranganglioma-pheochromocytoma syndrome (PMID: 19454582, 22517557, 27262318). Other variants at this protein residue (p.Arg72Cys, p.Arg72Leu) have been classified as pathogenic in ClinVar indicating that this residue is disease causing (ClinVar Variation IDs: 653952, 480787). This variant has been identified in 2/248980 chromosomes in the general population by the Genome Aggregation Database (gnomAD). Based on the available evidence, this variant is classified as Likely Pathogenic.

Labcorp Genetics (formerly Invitae), Labcorp
Classification: Likely pathogenic for Pheochromocytoma/paraganglioma syndrome 3; Gastrointestinal stromal tumor. Last evaluated: 2025-01-08. Review status: criteria provided, single submitter. Criteria: Invitae Variant Classification Sherloc (09022015). Collection method: clinical testing. Allele origin: germline.
Comment: This sequence change replaces arginine, which is basic and polar, with histidine, which is basic and polar, at codon 72 of the SDHC protein (p.Arg72His). This variant is present in population databases (rs778582853, gnomAD 0.006%). This missense change has been observed in individuals with paraganglioma and/or GIST (PMID: 19454582, 27262318, 33676450; internal data). It has also been observed to segregate with disease in related individuals. ClinVar contains an entry for this variant (Variation ID: 407044). An algorithm developed to predict the effect of missense changes on protein structure and function (PolyPhen-2) suggests that this variant is likely to be tolerated. This variant disrupts the p.Arg72 amino acid residue in SDHC. Other variant(s) that disrupt this residue have been determined to be pathogenic (PMID: 17636259, 18212813, 25950479; internal data). This suggests that this residue is clinically significant, and that variants that disrupt this residue are likely to be disease-causing. In summary, the currently available evidence indicates that the variant is pathogenic, but additional data are needed to prove that conclusively. Therefore, this variant has been classified as Likely Pathogenic.

Institute for Genomic Medicine (IGM) Clinical Laboratory, Nationwide Children's Hospital
Classification: Pathogenic for Pheochromocytoma/paraganglioma syndrome 3. Last evaluated: 2024-12-31. Review status: criteria provided, single submitter. Criteria: ACMG Guidelines, 2015. Collection method: clinical testing. Allele origin: germline.
Comment: Well-established functional studies have demonstrated this variant to have a damaging effect on protein function or splicing (ACMG/AMP: PS3_Supporting; PMID:27262318). This variant has been reported at an elevated frequency in affected individuals/in multiple affected individuals in the literature (ACMG/AMP: PS4; PMIDs:19454582, 22517557, 26273102, 27262318). This variant is absent from or present at an exceedingly low frequency in gnomAD, a large-scale control population database (ACMG/AMP: PM2). A different substitution at this amino acid position has been reported as pathogenic (ACMG/AMP: PM5). This variant is predicted to alter protein function or structure, or disrupt splicing by multiple in silico tools (ACMG/AMP: PP3).

Molecular Pathology, Peter Maccallum Cancer Centre
Classification: Likely pathogenic for Pheochromocytoma/paraganglioma syndrome 3. Last evaluated: 2024-10-23. Review status: criteria provided, single submitter. Criteria: ACMG Guidelines, 2015. Collection method: clinical testing. Allele origin: germline. Inheritance: Autosomal dominant inheritance.

Ambry Genetics
Classification: Pathogenic for Hereditary cancer-predisposing syndrome. Last evaluated: 2023-12-07. Review status: criteria provided, single submitter. Criteria: Ambry Variant Classification Scheme 2023. Collection method: clinical testing. Allele origin: germline.
Comment: The p.R72H pathogenic mutation (also known as c.215G>A), located in coding exon 4 of the SDHC gene, results from a G to A substitution at nucleotide position 215. The arginine at codon 72 is replaced by histidine, an amino acid with highly similar properties. In a prospective series of individuals with paragangliomas, this alteration was identified in five individuals from three families (Burnichon N et al. J Clin Endocrinol Metab, 2009 Aug;94:2817-27). In addition, this alteration was identified in a French cohort of 1640 index patients with PGL/PCC (Buffet A et al. Horm Metab Res, 2012 May;44:359-66). This alteration has also been observed in an individual with urinary bladder paraganglioma whose tumor demonstrated loss of SDHB expression on IHC (Gupta S et al. Endocr Pathol, 2016 Sep;27:243-52). Based on internal structural analysis, p.R72H disrupts the catalytic function of succinate dehydrogenase through impacts on quinone binding and/or reduction to quinol (Sun F et al. Cell, 2005 Jul;121:1043-57; Lemarie A et al. Mitochondrion, 2009 Jul;9:254-60; Kluckova K et al. Cell Death Dis, 2015 May;6:e1749). This amino acid position is highly conserved in available vertebrate species. In addition, this alteration is predicted to be deleterious by in silico analysis. Based on the supporting evidence, this alteration is interpreted as a disease-causing mutation.

All of Us Research Program, National Institutes of Health
Classification: Likely pathogenic for Hereditary pheochromocytoma and paraganglioma. Last evaluated: 2023-06-26. Review status: criteria provided, single submitter. Criteria: ACMG Guidelines, 2015. Collection method: clinical testing. Allele origin: germline. Inheritance: Autosomal dominant inheritance. Observed: 1 variant allele, 1 heterozygote.
Comment: This missense variant replaces arginine with histidine at codon 72 of the SDHC protein. Computational prediction suggests that this variant may have deleterious impact on protein structure and function (internally defined REVEL score threshold >= 0.7, PMID: 27666373). To our knowledge, functional studies have not been reported for this variant, however another variant at this residue (p.Arg72Cys) has been shown to have reduced electron transfer to ubiquinone and decreased succinate dehydrogenase activity (PMID: 25950479). This variant has been reported in multiple individuals affected with hereditary paranganglioma-pheochromocytoma syndrome (PMID: 19454582, 22517557, 27262318). Other variants at this protein residue (p.Arg72Cys, p.Arg72Leu) have been classified as pathogenic in ClinVar indicating that this residue is disease causing (ClinVar Variation IDs: 653952, 480787). This variant has been identified in 2/248980 chromosomes in the general population by the Genome Aggregation Database (gnomAD). Based on the available evidence, this variant is classified as Likely Pathogenic.

This study involves interpretation of variants in research participants for the purpose of population health screening. Participant phenotype was not available at the time of variant classification. Additional details can be found in publication PMID: 35346344, PMCID: PMC8962531

Baylor Genetics
Classification: Likely pathogenic for Gastrointestinal stromal tumor. Last evaluated: 2022-07-31. Review status: criteria provided, single submitter. Criteria: ACMG Guidelines, 2015. Collection method: clinical testing. Allele origin: unknown.

Literature cited by the submitters: PubMed 27262318 (cited by 6 submitters); PubMed 19454582 (cited by 6 submitters); PubMed 33676450 (cited by Myriad Genetics, Inc. and Labcorp Genetics (formerly Invitae), Labcorp); PubMed 34558728 (cited by Myriad Genetics, Inc.); PubMed 22517557 (cited by 4 submitters); PubMed 25950479 (cited by 4 submitters); PubMed 17636259 (cited by Labcorp Genetics (formerly Invitae), Labcorp); PubMed 18212813 (cited by Labcorp Genetics (formerly Invitae), Labcorp); PubMed 26273102 (cited by Institute for Genomic Medicine (IGM) Clinical Laboratory, Nationwide Children's Hospital and Ambry Genetics); PubMed 15989954 (cited by Ambry Genetics); PubMed 19332149 (cited by Ambry Genetics).

NM_003001.5(SDHC):c.215G>A (p.Arg72His)

Gene: SDHC (succinate dehydrogenase complex subunit C; plus strand). Cytogenetic location: 1q23.3.
Variant type: single nucleotide variant.
Coding change: c.215G>A on transcript NM_003001.5 (MANE Select); coding-DNA position 215, G replaced by A.
Protein change: p.Arg72His; replaces arginine 72 with histidine.
Molecular consequence: missense variant.
Genome position (GRCh38, 1-based): chr1:161,340,629, G>A. VCF-style: chr1-161340629-G-A. GRCh37 (hg19) VCF-style: chr1-161310419-G-A.
Other names: c.215G>A, p.Arg72His (NM_001035511.3); c.113G>A, p.Arg38His (NM_001035512.3, NM_001278172.3, NM_001407118.1); c.56G>A, p.Arg19His (NM_001035513.3); c.335G>A, p.Arg112His (NM_001407115.1); c.158G>A, p.Arg53His (NM_001407116.1, NM_001407117.1, NM_001407121.1); c.104G>A, p.Arg35His (NM_001407119.1, NM_001407120.1); short protein forms R72H, R19H, R38H, R112H, R53H, R35H.
Identifiers: ClinVar variation 407044 (VCV000407044.22), dbSNP rs778582853, ClinGen allele CA046536.